The following is an entry in ClinVar:

ClinVar aggregate classification (germline): Conflicting classifications of pathogenicity. Review status: criteria provided, conflicting classifications (1 of 4 stars). 2 submissions from 2 submitters: Uncertain significance (1); Likely benign (1). Last evaluated 2026-01-06.

Conditions:
Gastrointestinal stromal tumor. Also called: Gastrointestinal stromal tumor, somatic; Gastrointestinal stroma tumor. Identifiers: Orphanet 44890, MedGen C0238198, MeSH D046152, MONDO:0011719, OMIM 606764, HP:0100723.
Hereditary cancer-predisposing syndrome. Also called: Neoplastic Syndromes, Hereditary; Hereditary Cancer Syndrome; Hereditary neoplastic syndrome; Tumor predisposition. Identifiers: Orphanet 140162, MedGen C0027672, MeSH D009386, MONDO:0015356.

gnomAD v4.1: 6 of 1,614,088 alleles (0.00037%); highest among the groups gnomAD compares: East Asian, 0.0022%; no homozygotes.

Submissions (2):

Ambry Genetics
Classification: Likely benign for Hereditary cancer-predisposing syndrome. Last evaluated: 2026-01-06. Review status: criteria provided, single submitter. Criteria: Ambry Variant Classification Scheme 2023. Collection method: clinical testing. Allele origin: germline.

Labcorp Genetics (formerly Invitae), Labcorp
Classification: Uncertain significance for Gastrointestinal stromal tumor. Last evaluated: 2025-06-24. Review status: criteria provided, single submitter. Criteria: Invitae Variant Classification Sherloc (09022015). Collection method: clinical testing. Allele origin: germline.
Comment: This sequence change replaces proline, which is neutral and non-polar, with serine, which is neutral and polar, at codon 467 of the KIT protein (p.Pro467Ser). This variant is not present in population databases (gnomAD no frequency). This variant has not been reported in the literature in individuals affected with KIT-related conditions. ClinVar contains an entry for this variant (Variation ID: 1004231). An algorithm developed to predict the effect of missense changes on protein structure and function outputs the following: PolyPhen-2: "Benign". The serine amino acid residue is found in multiple mammalian species, which suggests that this missense change does not adversely affect protein function. In summary, the available evidence is currently insufficient to determine the role of this variant in disease. Therefore, it has been classified as a Variant of Uncertain Significance.

NM_000222.3(KIT):c.1399C>T (p.Pro467Ser)

Gene: KIT (KIT proto-oncogene, receptor tyrosine kinase; plus strand). Cytogenetic location: 4q12.
Variant type: single nucleotide variant.
Coding change: c.1399C>T on transcript NM_000222.3 (MANE Select); coding-DNA position 1399, C replaced by T.
Protein change: p.Pro467Ser; replaces proline 467 with serine.
Molecular consequence: missense variant.
Genome position (GRCh38, 1-based): chr4:54,725,909, C>T. VCF-style: chr4-54725909-C-T. GRCh37 (hg19) VCF-style: chr4-55592075-C-T.
Other names: c.1399C>T (NM_000222.2); c.1399C>T, p.Pro467Ser (NM_001093772.2, NM_001385285.1, NM_001385286.1); c.1402C>T, p.Pro468Ser (NM_001385284.1, NM_001385288.1, NM_001385290.1 and 1 more transcripts); short protein forms P467S, P468S.
Identifiers: ClinVar variation 1004231 (VCV001004231.16), dbSNP rs1722187399, ClinGen allele CA356906315.
Genomic context (GRCh38, chr4:54,725,909, plus strand): 5'-CCCTTTAGATGCTCTGCTTCTGTACTGCCAGTGGATGTGCAGACACTAAACTCATCTGGG[C>T]CACCGTTTGGAAAGCTAGTGGTTCAGAGTTCTATAGATTCTAGTGCATTCAAGCACAATG-3'
Protein context (NP_000213.1, residues 457-477): VDVQTLNSSG[Pro467Ser]PFGKLVVQSS